The following is an entry in ClinVar:

NM_001127511.3(APC):c.136A>C (p.Thr46Pro)

Gene: APC (APC regulator of Wnt signaling pathway; plus strand). Cytogenetic location: 5q22.2.
Variant type: single nucleotide variant.
Coding change: c.136A>C on transcript NM_001127511.3; coding-DNA position 136, A replaced by C.
Protein change: p.Thr46Pro; replaces threonine 46 with proline.
Molecular consequence: missense variant. On other transcripts: 5 prime UTR variant (8), non-coding transcript variant (1), intron variant (5).
Genome position (GRCh38, 1-based): chr5:112,707,853, A>C. VCF-style: chr5-112707853-A-C. GRCh37 (hg19) VCF-style: chr5-112043550-A-C.
Other names: c.-48A>C (NM_001354895.2, NM_001407447.1, NM_001407452.1 and 3 more transcripts); c.136A>C, p.Thr46Pro (NM_001354897.2, NM_001354902.2, NM_001407446.1); c.-1083A>C (NM_001407470.1, NM_001407472.1); c.-19+204A>C (NM_001407448.1, NM_001407450.1, NM_001407457.1 and 1 more transcripts); c.-43+204A>C (NM_001407453.1); short protein forms T46P.
Identifiers: ClinVar variation 537610 (VCV000537610.9), dbSNP rs766151900, ClinGen allele CA054190.

ClinVar aggregate classification (germline): Uncertain significance (1 of 4 stars; one submission).

Conditions:
Familial adenomatous polyposis 1 (FAP1). Also called: FAMILIAL ADENOMATOUS POLYPOSIS 1, ATTENUATED; POLYPOSIS, ADENOMATOUS INTESTINAL. Identifiers: MedGen C2713442, MONDO:0021056, OMIM 175100. Disease mechanism: loss of function.

Allele frequency attached by ClinVar (database versions not stated): ExAC 0.00008; gnomAD exomes 0.00001.
gnomAD v4.1: 6 of 1,369,710 alleles (0.00044%); highest among the groups gnomAD compares: South Asian, 0.0073%; no homozygotes.

Submission:

Labcorp Genetics (formerly Invitae), Labcorp
Classification: Uncertain significance for Familial adenomatous polyposis 1. Last evaluated: 2020-05-13. Review status: criteria provided, single submitter. Criteria: Invitae Variant Classification Sherloc (09022015). Collection method: clinical testing. Allele origin: germline.
Comment: In summary, the available evidence is currently insufficient to determine the role of this variant in disease. Therefore, it has been classified as a Variant of Uncertain Significance. Experimental studies and prediction algorithms are not available for this variant, and the functional significance of this non-coding change is currently unknown. This variant has not been reported in the literature in individuals with APC-related disease. ClinVar contains an entry for this variant (Variation ID: 537610). While this variant is present in population databases (rs766151900), the frequency information is unreliable, as metrics indicate poor data quality at this position in the ExAC database. This variant occurs in a non-coding region of the APC gene. It does not change the encoded amino acid sequence of the APC protein.